The following is an entry in ClinVar:

NM_001082538.3(TCTN1):c.1563C>T (p.Tyr521=)

Gene: TCTN1 (tectonic family member 1; plus strand). Cytogenetic location: 12q24.11.
Variant type: single nucleotide variant.
Coding change: c.1563C>T on transcript NM_001082538.3 (MANE Select); coding-DNA position 1563, C replaced by T.
Protein change: p.Tyr521=; no amino-acid change (tyrosine 521 retained).
Molecular consequence: synonymous variant. On other transcripts: non-coding transcript variant (1).
Genome position (GRCh38, 1-based): chr12:110,647,264, C>T. VCF-style: chr12-110647264-C-T. GRCh37 (hg19) VCF-style: chr12-111085069-C-T.
Other names: c.1548C>T, p.Tyr516= (NM_001082537.3); c.1380C>T, p.Tyr460= (NM_001173975.3); c.1236C>T, p.Tyr412= (NM_001173976.2); c.1401C>T, p.Tyr467= (NM_001319680.2); c.1014C>T, p.Tyr338= (NM_001319681.2); c.1506C>T, p.Tyr502= (NM_024549.6).
Identifiers: ClinVar variation 194193 (VCV000194193.43), dbSNP rs368907353, ClinGen allele CA240051.

ClinVar aggregate classification (germline): Conflicting classifications of pathogenicity. Review status: criteria provided, conflicting classifications (1 of 4 stars). 7 submissions from 7 submitters: Uncertain significance (1); Likely benign (4). 2 of the submissions do not count toward it. Last evaluated 2026-01-09.

Conditions:
TCTN1-related disorder. Also called: TCTN1-related condition.
Joubert syndrome. Also called: JOUBERT-BOLTSHAUSER SYNDROME; Familial aplasia of the vermis. Identifiers: Orphanet 475, MedGen C5979921, MONDO:0018772.
Meckel-Gruber syndrome. Also called: Dysencephalia splachnocystica; DYSENCEPHALIA SPLANCHNOCYSTICA; GRUBER SYNDROME. Identifiers: Orphanet 564, MedGen C0265215, MONDO:0018921.

Allele frequency attached by ClinVar (database versions not stated): gnomAD exomes 0.00008 and 0.00011; 1000 Genomes Project 30x 0.00016; ExAC 0.00017; ESP Exome Variant Server 0.00042; gnomAD 0.00048; TOPMed 0.00053.
gnomAD v4.1: 191 of 1,614,138 alleles (0.012%); highest among the groups gnomAD compares: African/African-American, 0.14%; 1 homozygote.

Submissions (7):

Labcorp Genetics (formerly Invitae), Labcorp
Classification: Likely benign for Joubert syndrome; Meckel-Gruber syndrome. Last evaluated: 2026-01-09. Review status: criteria provided, single submitter. Criteria: Invitae Variant Classification Sherloc (09022015). Collection method: clinical testing. Allele origin: germline.

Blueprint Genetics
Classification: Likely benign. Last evaluated: 2024-08-28. Review status: criteria provided, single submitter. Criteria: ACMG Guidelines, 2015. Collection method: clinical testing. Allele origin: germline.

CeGaT Center for Human Genetics Tuebingen
Classification: Likely benign. Last evaluated: 2023-06-01. Review status: criteria provided, single submitter. Criteria: CeGaT Center For Human Genetics Tuebingen Variant Classification Criteria Version 2. Collection method: clinical testing. Allele origin: germline. Affected: yes. Observed: 1 variant allele.
Comment: TCTN1: BP4, BP7

GeneDx
Classification: Likely benign. Last evaluated: 2020-07-19. Review status: criteria provided, single submitter. Criteria: GeneDx Variant Classification Process June 2021. Collection method: clinical testing. Allele origin: germline. Affected: yes.

Eurofins Ntd Llc (ga)
Classification: Uncertain significance. Last evaluated: 2014-09-15. Review status: criteria provided, single submitter. Criteria: EGL Classification Definitions 2015. Collection method: clinical testing. Allele origin: germline. Observed: 1 variant allele, 1 heterozygote.

Genetic Services Laboratory, University of Chicago
Classification: Likely benign. Last evaluated: 2022-07-20. Review status: no assertion criteria provided. Collection method: clinical testing. Allele origin: germline. Affected: no. Not counted in ClinVar's aggregate classification.

PreventionGenetics, part of Exact Sciences
Classification: Likely benign for TCTN1-related condition. Last evaluated: 2019-07-24. Review status: no assertion criteria provided. Collection method: clinical testing. Allele origin: germline. Not counted in ClinVar's aggregate classification.
Comment: This variant is classified as likely benign based on ACMG/AMP sequence variant interpretation guidelines (Richards et al. 2015 PMID: 25741868, with internal and published modifications).